The following is an entry in ClinVar:

NM_004448.4(ERBB2):c.1385G>A (p.Gly462Asp)

Gene: ERBB2 (erb-b2 receptor tyrosine kinase 2; plus strand). Cytogenetic location: 17q12.
Variant type: single nucleotide variant.
Coding change: c.1385G>A on transcript NM_004448.4 (MANE Select); coding-DNA position 1385, G replaced by A.
Protein change: p.Gly462Asp; replaces glycine 462 with aspartic acid.
Molecular consequence: missense variant. On other transcripts: non-coding transcript variant (1), intron variant (1).
Genome position (GRCh38, 1-based): chr17:39,715,811, G>A. VCF-style: chr17-39715811-G-A. GRCh37 (hg19) VCF-style: chr17-37872064-G-A.
Other names: c.1295G>A, p.Gly432Asp (NM_001005862.3, NM_001289938.2, NM_001382782.1 and 1 more transcripts); c.1340G>A, p.Gly447Asp (NM_001289936.2); c.1385G>A, p.Gly462Asp (NM_001289937.2, NM_001382785.1, NM_001382788.1 and 12 more transcripts); c.1502G>A, p.Gly501Asp (NM_001382784.1, NM_001382786.1); c.1460G>A, p.Gly487Asp (NM_001382787.1); c.1406G>A, p.Gly469Asp (NM_001382789.1); c.1376G>A, p.Gly459Asp (NM_001382791.1); c.1205G>A, p.Gly402Asp (NM_001382799.1); and 3 more; short protein forms G402D, G462D, G469D, G487D, G186D, G432D, G447D, G501D.
Identifiers: ClinVar variation 970950 (VCV000970950.9), dbSNP rs373192991, ClinGen allele CA8533972.
Genomic context (GRCh38, chr17:39,715,811, plus strand): 5'-CGCTGACCCTGCAAGGGCTGGGCATCAGCTGGCTGGGGCTGCGCTCACTGAGGGAACTGG[G>A]CAGTGGACTGGCCCTCATCCACCATAACACCCACCTCTGCTTCGTGCACACGGTGCCCTG-3'
Protein context (NP_004439.2, residues 452-472): WLGLRSLREL[Gly462Asp]SGLALIHHNT

ClinVar aggregate classification (germline): Uncertain significance (1 of 4 stars; one submission).

Allele frequency attached by ClinVar (database versions not stated): ESP Exome Variant Server 0.00008; TOPMed 0.00002.
gnomAD v4.1: 8 of 1,610,766 alleles (0.0005%); highest among the groups gnomAD compares: African/African-American, 0.008%; no homozygotes.

Submission:

Labcorp Genetics (formerly Invitae), Labcorp
Classification: Uncertain significance. Last evaluated: 2019-10-13. Review status: criteria provided, single submitter. Criteria: Invitae Variant Classification Sherloc (09022015). Collection method: clinical testing. Allele origin: germline.
Comment: This variant has not been reported in the literature in individuals with ERBB2-related conditions. Algorithms developed to predict the effect of missense changes on protein structure and function (SIFT, PolyPhen-2, Align-GVGD) all suggest that this variant is likely to be tolerated, but these predictions have not been confirmed by published functional studies and their clinical significance is uncertain. In summary, the available evidence is currently insufficient to determine the role of this variant in disease. Therefore, it has been classified as a Variant of Uncertain Significance. This variant is present in population databases (rs373192991, ExAC 0.01%). This sequence change replaces glycine with aspartic acid at codon 462 of the ERBB2 protein (p.Gly462Asp). The glycine residue is weakly conserved and there is a moderate physicochemical difference between glycine and aspartic acid.